The following is an entry in ClinVar:

NM_002296.4(LBR):c.396T>C (p.Tyr132=)

Gene: LBR (lamin B receptor; minus strand). Cytogenetic location: 1q42.12.
Variant type: single nucleotide variant.
Coding change: c.396T>C on transcript NM_002296.4 (MANE Select); coding-DNA position 396, T replaced by C.
Protein change: p.Tyr132=; no amino-acid change (tyrosine 132 retained).
Molecular consequence: synonymous variant.
Genome position (GRCh38, 1-based): chr1:225,419,769, A>G on the plus strand (T>C on the coding strand, the complement: LBR is on the minus strand). VCF-style: chr1-225419769-A-G. GRCh37 (hg19) VCF-style: chr1-225607471-A-G.
Other names: c.396T>C, p.Tyr132= (NM_194442.3).
Identifiers: ClinVar variation 295946 (VCV000295946.21), dbSNP rs374289757, ClinGen allele CA1417483.

ClinVar aggregate classification (germline): Conflicting classifications of pathogenicity. Review status: criteria provided, conflicting classifications (1 of 4 stars). 4 submissions from 4 submitters: Uncertain significance (1); Likely benign (3). Last evaluated 2025-07-01.

Conditions:
LBR-related disorder. Also called: LBR-related condition; LBR-related disorders.
Greenberg dysplasia (GRBGD). Also called: HEM SKELETAL DYSPLASIA; MOTH-EATEN SKELETAL DYSPLASIA; CHONDRODYSTROPHY, HYDROPIC AND PRENATALLY LETHAL TYPE. Identifiers: Orphanet 1426, MedGen C2931048, MONDO:0008974, OMIM 215140.

Allele frequency attached by ClinVar (database versions not stated): ExAC 0.00006; TOPMed 0.00007; ESP Exome Variant Server 0.00008; gnomAD 0.00009; gnomAD exomes 0.00009 and 0.00015.
gnomAD v4.1: 230 of 1,611,970 alleles (0.014%); highest among the groups gnomAD compares: Non-Finnish European, 0.019%; 1 homozygote.

Submissions (4):

CeGaT Center for Human Genetics Tuebingen
Classification: Likely benign. Last evaluated: 2025-07-01. Review status: criteria provided, single submitter. Criteria: CeGaT Center For Human Genetics Tuebingen Variant Classification Criteria Version 2. Collection method: clinical testing. Allele origin: germline. Affected: yes. Observed: 1 variant allele.
Comment: LBR: BP4, BP7

Labcorp Genetics (formerly Invitae), Labcorp
Classification: Likely benign. Last evaluated: 2025-02-16. Review status: criteria provided, single submitter. Criteria: Invitae Variant Classification Sherloc (09022015). Collection method: clinical testing. Allele origin: germline.

PreventionGenetics, part of Exact Sciences
Classification: Likely benign for LBR-related condition. Last evaluated: 2025-02-13. Review status: criteria provided, single submitter. Criteria: ACMG Guidelines, 2015. Collection method: clinical testing. Allele origin: germline.
Comment: This variant is classified as likely benign based on ACMG/AMP sequence variant interpretation guidelines (Richards et al. 2015 PMID: 25741868, with internal and published modifications).

Illumina Laboratory Services, Illumina
Classification: Uncertain significance for Greenberg dysplasia. Last evaluated: 2018-01-13. Review status: criteria provided, single submitter. Criteria: ICSL Variant Classification Criteria 13 December 2019. Collection method: clinical testing. Allele origin: germline.